The following is an entry in ClinVar:

NM_005422.4(TECTA):c.4510C>T (p.Arg1504Cys)

Genes: TBCEL-TECTA (TBCEL-TECTA readthrough; plus strand), TECTA (tectorin alpha; plus strand). Cytogenetic location: 11q23.3.
Variant type: single nucleotide variant.
Coding change: c.4510C>T on transcript NM_005422.4 (MANE Select); coding-DNA position 4510, C replaced by T.
Protein change: p.Arg1504Cys; replaces arginine 1504 with cysteine.
Molecular consequence: missense variant.
Genome position (GRCh38, 1-based): chr11:121,158,045, C>T. VCF-style: chr11-121158045-C-T. GRCh37 (hg19) VCF-style: chr11-121028754-C-T.
Other names: c.5467C>T, p.Arg1823Cys (NM_001378761.1); short protein forms R1504C, R1823C.
Identifiers: ClinVar variation 179914 (VCV000179914.9), dbSNP rs727505218, ClinGen allele CA185417.

ClinVar aggregate classification (germline): Uncertain significance. Review status: criteria provided, multiple submitters, no conflicts (2 of 4 stars). 2 submissions from 2 submitters: Uncertain significance (2). Last evaluated 2023-08-16.

Allele frequency attached by ClinVar (database versions not stated): ExAC 0.00002; TOPMed 0.00002.
gnomAD v4.1: 85 of 1,613,226 alleles (0.0053%); highest among the groups gnomAD compares: Non-Finnish European, 0.0067%; no homozygotes.

Submissions (2):

GeneDx
Classification: Uncertain significance. Last evaluated: 2023-08-16. Review status: criteria provided, single submitter. Criteria: GeneDx Variant Classification Process June 2021. Collection method: clinical testing. Allele origin: germline. Affected: yes.
Comment: In silico analysis supports that this missense variant has a deleterious effect on protein structure/function; Located within the von Willebrand factor type D4 region of the zonadhesin domain (Hildebrand et al., 2011); Has not been previously published as pathogenic or benign to our knowledge; This variant is associated with the following publications: (PMID: 9590290, 21520338, 31554319)

Laboratory for Molecular Medicine, Mass General Brigham Personalized Medicine
Classification: Uncertain significance. Last evaluated: 2014-07-24. Review status: criteria provided, single submitter. Criteria: LMM Criteria. Collection method: clinical testing. Allele origin: germline. Observed: 1 variant allele.
Comment: The Arg1504Cys variant in TECTA has not been previously reported in individuals with hearing loss or in large population studies. Computational prediction tools and conservation analyses suggest that the Arg1504Cys variant may impact the pr otein, though this information is not predictive enough to determine pathogenici ty. In summary, the clinical significance of the Arg1504Cys variant is uncertain .